The following is an entry in ClinVar:

NM_001374828.1(ARID1B):c.5417dup (p.Leu1806fs)

Gene: ARID1B (AT-rich interaction domain 1B; plus strand). Cytogenetic location: 6q25.3.
Variant type: Duplication.
Coding change: c.5417dup on transcript NM_001374828.1 (MANE Select); coding-DNA position 5417, one base duplicated (T; older notation c.5417dupT).
Protein change: p.Leu1806fs; shifts the reading frame from leucine 1806.
Molecular consequence: frameshift variant.
Genome position (GRCh38, 1-based): chr6:157,206,189, T duplicated; the last of 4 consecutive T bases (chr6:157,206,186-157,206,189); duplicating any one gives the same sequence. VCF-style (leftmost placement, unchanged base first): chr6-157206185-C-CT. GRCh37 (hg19) VCF-style: chr6-157527319-C-CT.
Other names: NM_017519.3:c.5258dup; c.5168dup, p.Leu1723Phefs (NM_001346813.1); c.2918dup, p.Leu973fs (NM_001363725.2); c.5297dup, p.Leu1766fs (NM_001371656.1, NM_001374820.1); c.5258dup, p.Leu1753fs (NM_017519.3); c.5048dup, p.Leu1683Phefs (NM_020732.3); c.4835dup, p.Leu1612Phefs (NM_175863.2); short protein forms L1753fs, L1766fs, L1806fs, L973fs.
Identifiers: ClinVar variation 2500910 (VCV002500910.1), dbSNP rs2538755076, ClinGen allele CA2573335140.

ClinVar aggregate classification (germline): Likely pathogenic (1 of 4 stars; one submission).

Conditions:
Coffin-Siris syndrome 1 (CSS1). Also called: Mental retardation, autosomal dominant 12; ARID1B-Related Coffin-Siris Syndrome. Identifiers: Orphanet 1465, MedGen C3281201, MONDO:0007617, OMIM 135900. Disease mechanism: gain of function.

Submission:

Broad Center for Mendelian Genomics, Broad Institute of MIT and Harvard
Classification: Likely pathogenic for Coffin-Siris syndrome 1. Last evaluated: 2023-05-02. Review status: criteria provided, single submitter. Criteria: ACMG Guidelines, 2015. Collection method: curation. Allele origin: germline. Inheritance: Autosomal dominant inheritance.
Comment: Trio exome analysis showed this variant to be de novo. The p.Leu1806ValfsTer9 variant in ARID1B has not been previously reported in individuals with Coffin-Siris syndrome 1. This variant was absent from large population studies. This variant is predicted to cause a frameshift, which alters the protein‚Äôs amino acid sequence beginning at position 1806 and leads to a premature termination codon 9 amino acids downstream. This termination codon occurs within the last exon and is more likely to escape nonsense mediated decay (NMD) and result in a truncated protein. Heterozygous loss of function of the ARID1B gene is an established disease mechanism in autosomal dominant Coffin-Siris syndrome 1. In summary, although additional studies are required to fully establish its clinical significance, this variant is likely pathogenic for autosomal dominant Coffin-Siris syndrome 1. ACMG/AMP Criteria applied: PVS1_Strong, PS2_Supporting, PM2_Supporting (Richards 2015).